The following is an entry in ClinVar:

ClinVar aggregate classification (germline): Likely benign. Review status: criteria provided, multiple submitters, no conflicts (2 of 4 stars). 2 submissions from 2 submitters: Likely benign (2). Last evaluated 2025-11-01.

Conditions:
Norman-Roberts syndrome (LIS2). Also called: Lissencephaly 2 (Norman-Roberts type). Identifiers: Orphanet 89844, MedGen C0796089, MONDO:0009760, OMIM 257320.
Familial temporal lobe epilepsy 7. Identifiers: Orphanet 101046, MedGen C4225327, MONDO:0014639, OMIM 616436.

Allele frequency attached by ClinVar (database versions not stated): gnomAD 0.00001 and 0.00002; gnomAD exomes 0.00001; TOPMed 0.00002.
gnomAD v4.1: 7 of 1,613,858 alleles (0.00043%); highest among the groups gnomAD compares: African/African-American, 0.0067%; no homozygotes.

Submissions (2):

CeGaT Center for Human Genetics Tuebingen
Classification: Likely benign. Last evaluated: 2025-11-01. Review status: criteria provided, single submitter. Criteria: CeGaT Center For Human Genetics Tuebingen Variant Classification Criteria Version 2. Collection method: clinical testing. Allele origin: germline. Affected: yes. Observed: 1 variant allele.
Comment: RELN: BP4, BP7

Labcorp Genetics (formerly Invitae), Labcorp
Classification: Likely benign for Familial temporal lobe epilepsy 7; Norman-Roberts syndrome. Last evaluated: 2024-08-20. Review status: criteria provided, single submitter. Criteria: Invitae Variant Classification Sherloc (09022015). Collection method: clinical testing. Allele origin: germline.

NM_005045.4(RELN):c.8970C>T (p.Leu2990=)

Genes: RELN (reelin; minus strand), SLC26A5-AS1 (SLC26A5 antisense RNA 1; plus strand). Cytogenetic location: 7q22.1.
Variant type: single nucleotide variant.
Coding change: c.8970C>T on transcript NM_005045.4 (MANE Select); coding-DNA position 8970, C replaced by T.
Protein change: p.Leu2990=; no amino-acid change (leucine 2990 retained).
Molecular consequence: synonymous variant.
Genome position (GRCh38, 1-based): chr7:103,496,749, G>A on the plus strand (C>T on the coding strand, the complement: RELN is on the minus strand). VCF-style: chr7-103496749-G-A. GRCh37 (hg19) VCF-style: chr7-103137196-G-A.
Other names: c.8970C>T, p.Leu2990= (NM_173054.3).
Identifiers: ClinVar variation 1088241 (VCV001088241.15), dbSNP rs931942559, ClinGen allele CA163909380.